The following is an entry in ClinVar:

NM_017633.3(TENT5A):c.182C>G (p.Ala61Gly)

Gene: TENT5A (terminal nucleotidyltransferase 5A; minus strand). Cytogenetic location: 6q14.1.
Variant type: single nucleotide variant.
Coding change: c.182C>G on transcript NM_017633.3 (MANE Select); coding-DNA position 182, C replaced by G.
Protein change: p.Ala61Gly; replaces alanine 61 with glycine.
Molecular consequence: missense variant.
Genome position (GRCh38, 1-based): chr6:81,751,960, G>C on the plus strand (C>G on the coding strand, the complement: TENT5A is on the minus strand). VCF-style: chr6-81751960-G-C. GRCh37 (hg19) VCF-style: chr6-82461677-G-C.
Other names: short protein forms A61G.
Identifiers: ClinVar variation 2038952 (VCV002038952.4), dbSNP rs565370307, ClinGen allele CA3903053.

ClinVar aggregate classification (germline): Uncertain significance (1 of 4 stars; one submission).

Allele frequency attached by ClinVar (database versions not stated): 1000 Genomes Project 30x 0.00031.
gnomAD v4.1: 14 of 1,598,302 alleles (0.00088%); highest among the groups gnomAD compares: African/African-American, 0.019%; no homozygotes.

Submission:

Labcorp Genetics (formerly Invitae), Labcorp
Classification: Uncertain significance. Last evaluated: 2022-02-14. Review status: criteria provided, single submitter. Criteria: Invitae Variant Classification Sherloc (09022015). Collection method: clinical testing. Allele origin: germline.
Comment: Algorithms developed to predict the effect of missense changes on protein structure and function (SIFT, PolyPhen-2, Align-GVGD) all suggest that this variant is likely to be tolerated. This variant has not been reported in the literature in individuals affected with FAM46A-related conditions. This variant is present in population databases (rs565370307, gnomAD 0.01%). This sequence change replaces alanine, which is neutral and non-polar, with glycine, which is neutral and non-polar, at codon 61 of the FAM46A protein (p.Ala61Gly). In summary, the available evidence is currently insufficient to determine the role of this variant in disease. Therefore, it has been classified as a Variant of Uncertain Significance.